The following is an entry in ClinVar:

ClinVar aggregate classification (germline): Conflicting classifications of pathogenicity. Review status: criteria provided, conflicting classifications (1 of 4 stars). 2 submissions from 2 submitters: Uncertain significance (1); Likely benign (1). Last evaluated 2025-10-14.

Conditions:
Cardiovascular phenotype. Identifiers: MedGen CN230736.

Allele frequency attached by ClinVar (database versions not stated): TOPMed below 0.00001; gnomAD 0.00001.
gnomAD v4.1: 7 of 1,613,972 alleles (0.00043%); highest among the groups gnomAD compares: Non-Finnish European, 0.00059%; no homozygotes.

Submissions (2):

Ambry Genetics
Classification: Likely benign for Cardiovascular phenotype. Last evaluated: 2025-10-14. Review status: criteria provided, single submitter. Criteria: Ambry Variant Classification Scheme 2023. Collection method: clinical testing. Allele origin: germline.

Labcorp Genetics (formerly Invitae), Labcorp
Classification: Uncertain significance. Last evaluated: 2022-08-16. Review status: criteria provided, single submitter. Criteria: Invitae Variant Classification Sherloc (09022015). Collection method: clinical testing. Allele origin: germline.
Comment: In summary, the available evidence is currently insufficient to determine the role of this variant in disease. Therefore, it has been classified as a Variant of Uncertain Significance. Algorithms developed to predict the effect of missense changes on protein structure and function output the following: SIFT: "Tolerated"; PolyPhen-2: "Benign"; Align-GVGD: "Class C0". The leucine amino acid residue is found in multiple mammalian species, which suggests that this missense change does not adversely affect protein function. ClinVar contains an entry for this variant (Variation ID: 1413282). This variant has not been reported in the literature in individuals affected with ALPK3-related conditions. This variant is not present in population databases (gnomAD no frequency). This sequence change replaces proline, which is neutral and non-polar, with leucine, which is neutral and non-polar, at codon 1046 of the ALPK3 protein (p.Pro1046Leu).

NM_020778.5(ALPK3):c.2531C>T (p.Pro844Leu)

Gene: ALPK3 (alpha kinase 3; plus strand). Cytogenetic location: 15q25.3.
Variant type: single nucleotide variant.
Coding change: c.2531C>T on transcript NM_020778.5 (MANE Select); coding-DNA position 2531, C replaced by T.
Protein change: p.Pro844Leu; replaces proline 844 with leucine.
Molecular consequence: missense variant.
Genome position (GRCh38, 1-based): chr15:84,857,269, C>T. VCF-style: chr15-84857269-C-T. GRCh37 (hg19) VCF-style: chr15-85400500-C-T.
Other names: c.3137C>T (NM_020778.4); short protein forms P844L.
Identifiers: ClinVar variation 1413282 (VCV001413282.7), dbSNP rs1240384484, ClinGen allele CA393357490.